The following is an entry in ClinVar:

ClinVar aggregate classification (germline): Uncertain significance. Review status: criteria provided, multiple submitters, no conflicts (2 of 4 stars). 3 submissions from 3 submitters: Uncertain significance (3). Last evaluated 2025-12-02.

Allele frequency attached by ClinVar (database versions not stated): TOPMed below 0.00001; gnomAD exomes 0.00001 and 0.00002; ExAC 0.00002.
gnomAD v4.1: 24 of 1,582,284 alleles (0.0015%); highest among the groups gnomAD compares: Middle Eastern, 0.034%; no homozygotes.

Submissions (3):

Women's Health and Genetics/Laboratory Corporation of America, LabCorp
Classification: Uncertain significance. Last evaluated: 2025-12-02. Review status: criteria provided, single submitter. Criteria: LabCorp Variant Classification Summary - May 2015. Collection method: clinical testing. Allele origin: germline.

CeGaT Center for Human Genetics Tuebingen
Classification: Uncertain significance. Last evaluated: 2023-06-01. Review status: criteria provided, single submitter. Criteria: CeGaT Center For Human Genetics Tuebingen Variant Classification Criteria Version 2. Collection method: clinical testing. Allele origin: germline. Affected: yes. Observed: 1 variant allele.
Comment: TTN: PM2:Supporting, BP4

GeneDx
Classification: Uncertain significance. Last evaluated: 2021-10-14. Review status: criteria provided, single submitter. Criteria: GeneDx Variant Classification Process June 2021. Collection method: clinical testing. Allele origin: germline. Affected: yes.
Comment: Has not been previously published as pathogenic or benign to our knowledge; Not observed at significant frequency in large population cohorts (Lek et al., 2016); Missense variant in a gene in which most reported pathogenic variants are truncating/loss-of-function

NM_001267550.2(TTN):c.14386A>G (p.Thr4796Ala)

Gene: TTN (titin; minus strand). Cytogenetic location: 2q31.2.
Variant type: single nucleotide variant.
Coding change: c.14386A>G on transcript NM_001267550.2 (MANE Select); coding-DNA position 14386, A replaced by G.
Protein change: p.Thr4796Ala; replaces threonine 4796 with alanine.
Molecular consequence: missense variant. On other transcripts: intron variant (3).
Genome position (GRCh38, 1-based): chr2:178,736,060, T>C on the plus strand (A>G on the coding strand, the complement: TTN is on the minus strand). VCF-style: chr2-178736060-T-C. GRCh37 (hg19) VCF-style: chr2-179600787-T-C.
Other names: p.T4479A:ACC>GCC; c.13435A>G, p.Thr4479Ala (NM_001256850.1); c.10654A>G, p.Thr3552Ala (NM_133378.4); c.13282+2022A>G (NM_003319.4); c.13858+2022A>G (NM_133437.4); c.13657+2022A>G (NM_133432.3); short protein forms T4479A, T4796A, T3552A.
Identifiers: ClinVar variation 203235 (VCV000203235.29), dbSNP rs780971372, ClinGen allele CA311764.